The following is an entry in ClinVar:

ClinVar aggregate classification (germline): Uncertain significance (1 of 4 stars; one submission).

Conditions:
Amyotrophic lateral sclerosis type 21. Also called: VOCAL CORD AND PHARYNGEAL DYSFUNCTION WITH DISTAL MYOPATHY; MYOPATHY, DISTAL, 2. Identifiers: Orphanet 600, Orphanet 803, MedGen C3807521, MONDO:0011632, OMIM 606070.

Allele frequency attached by ClinVar (database versions not stated): TOPMed below 0.00001; ExAC 0.00001; gnomAD 0.00001; gnomAD exomes 0.00002.
gnomAD v4.1: 22 of 1,613,774 alleles (0.0014%); highest among the groups gnomAD compares: South Asian, 0.011%; 1 homozygote.

Submission:

Labcorp Genetics (formerly Invitae), Labcorp
Classification: Uncertain significance for Amyotrophic lateral sclerosis type 21. Last evaluated: 2024-02-26. Review status: criteria provided, single submitter. Criteria: Invitae Variant Classification Sherloc (09022015). Collection method: clinical testing. Allele origin: germline.
Comment: This sequence change replaces methionine, which is neutral and non-polar, with isoleucine, which is neutral and non-polar, at codon 546 of the MATR3 protein (p.Met546Ile). This variant is present in population databases (rs748592981, gnomAD 0.01%). This variant has not been reported in the literature in individuals affected with MATR3-related conditions. ClinVar contains an entry for this variant (Variation ID: 966664). Advanced modeling of protein sequence and biophysical properties (such as structural, functional, and spatial information, amino acid conservation, physicochemical variation, residue mobility, and thermodynamic stability) performed at Invitae indicates that this missense variant is not expected to disrupt MATR3 protein function with a negative predictive value of 80%. In summary, the available evidence is currently insufficient to determine the role of this variant in disease. Therefore, it has been classified as a Variant of Uncertain Significance.

NM_018834.6(MATR3):c.1638G>A (p.Met546Ile)

Gene: MATR3 (matrin 3; plus strand). Cytogenetic location: 5q31.2.
Variant type: single nucleotide variant.
Coding change: c.1638G>A on transcript NM_018834.6 (MANE Select); coding-DNA position 1638, G replaced by A.
Protein change: p.Met546Ile; replaces methionine 546 with isoleucine.
Molecular consequence: missense variant.
Genome position (GRCh38, 1-based): chr5:139,321,933, G>A. VCF-style: chr5-139321933-G-A. GRCh37 (hg19) VCF-style: chr5-138657622-G-A.
Other names: c.1638G>A, p.Met546Ile (NM_001194954.2, NM_001194955.2, NM_199189.3); c.774G>A, p.Met258Ile (NM_001194956.2); c.624G>A, p.Met208Ile (NM_001282278.2); short protein forms M208I, M258I, M546I.
Identifiers: ClinVar variation 966664 (VCV000966664.9), dbSNP rs748592981, ClinGen allele CA3433205.